The following is an entry in ClinVar:

ClinVar aggregate classification (germline): Uncertain significance (1 of 4 stars; one submission).

Conditions:
Ellis-van Creveld syndrome (EVC). Also called: EVC-Related Ellis-van Creveld Syndrome; EVC2-Related Ellis-van Creveld Syndrome; Chondroectodermal dysplasia; MESOECTODERMAL DYSPLASIA. Identifiers: Orphanet 289, MedGen C0013903, MONDO:0009162, OMIM 225500.
Curry-Hall syndrome (WAD). Also called: WEYERS ACRODENTAL DYSOSTOSIS. Identifiers: Orphanet 952, MedGen C0457013, MONDO:0008673, OMIM 193530.

Allele frequency attached by ClinVar (database versions not stated): gnomAD exomes 0.00001 and 0.00002; ExAC 0.00002.
gnomAD v4.1: 8 of 1,614,098 alleles (0.0005%); highest among the groups gnomAD compares: South Asian, 0.0066%; 1 homozygote.

Submission:

Labcorp Genetics (formerly Invitae), Labcorp
Classification: Uncertain significance for Curry-Hall syndrome; Ellis-van Creveld syndrome. Last evaluated: 2021-09-01. Review status: criteria provided, single submitter. Criteria: Invitae Variant Classification Sherloc (09022015). Collection method: clinical testing. Allele origin: germline.
Comment: This sequence change replaces arginine with isoleucine at codon 1276 of the EVC2 protein (p.Arg1276Ile). The arginine residue is highly conserved and there is a moderate physicochemical difference between arginine and isoleucine. This variant is present in population databases (rs751725959, ExAC 0.02%). This variant has not been reported in the literature in individuals affected with EVC2-related conditions. Algorithms developed to predict the effect of missense changes on protein structure and function are either unavailable or do not agree on the potential impact of this missense change (SIFT: "Deleterious"; PolyPhen-2: "Possibly Damaging"; Align-GVGD: "Class C0"). In summary, the available evidence is currently insufficient to determine the role of this variant in disease. Therefore, it has been classified as a Variant of Uncertain Significance.

NM_147127.5(EVC2):c.3827G>T (p.Arg1276Ile)

Gene: EVC2 (EvC ciliary complex subunit 2; minus strand). Cytogenetic location: 4p16.2.
Variant type: single nucleotide variant.
Coding change: c.3827G>T on transcript NM_147127.5 (MANE Select); coding-DNA position 3827, G replaced by T.
Protein change: p.Arg1276Ile; replaces arginine 1276 with isoleucine.
Molecular consequence: missense variant.
Genome position (GRCh38, 1-based): chr4:5,562,948, C>A on the plus strand (G>T on the coding strand, the complement: EVC2 is on the minus strand). VCF-style: chr4-5562948-C-A. GRCh37 (hg19) VCF-style: chr4-5564675-C-A.
Other names: c.3587G>T, p.Arg1196Ile (NM_001166136.2); short protein forms R1196I, R1276I.
Identifiers: ClinVar variation 1018379 (VCV001018379.7), dbSNP rs751725959, ClinGen allele CA2834178.